The following is an entry in ClinVar:

ClinVar aggregate classification (germline): Uncertain significance (1 of 4 stars; one submission).

Conditions:
Intellectual disability, autosomal recessive 53 (NEDHSCA). Also called: NEURODEVELOPMENTAL DISORDER WITH OR WITHOUT HYPOTONIA, SEIZURES, AND CEREBELLAR ATROPHY; GLYCOSYLPHOSPHATIDYLINOSITOL BIOSYNTHESIS DEFECT 13; Mental retardation, autosomal recessive 53. Identifiers: Orphanet 488635, MedGen C4310794, MONDO:0014832, OMIM 616917.

Allele frequency attached by ClinVar (database versions not stated): gnomAD 0.00001; TOPMed 0.00003; gnomAD exomes 0.00005 and 0.00004; ExAC 0.00005.
gnomAD v4.1: 64 of 1,613,646 alleles (0.004%); highest among the groups gnomAD compares: Middle Eastern, 0.016%; no homozygotes.

Submissions (2):

Labcorp Genetics (formerly Invitae), Labcorp
Classification: Uncertain significance for Intellectual disability, autosomal recessive 53. Last evaluated: 2022-10-17. Review status: criteria provided, single submitter. Criteria: Invitae Variant Classification Sherloc (09022015). Collection method: clinical testing. Allele origin: germline.
Comment: This sequence change replaces glycine, which is neutral and non-polar, with arginine, which is basic and polar, at codon 768 of the PIGG protein (p.Gly768Arg). This variant is present in population databases (rs35206248, gnomAD 0.01%). This variant has not been reported in the literature in individuals affected with PIGG-related conditions. ClinVar contains an entry for this variant (Variation ID: 576871). Advanced modeling of protein sequence and biophysical properties (such as structural, functional, and spatial information, amino acid conservation, physicochemical variation, residue mobility, and thermodynamic stability) performed at Invitae indicates that this missense variant is expected to disrupt PIGG protein function. In summary, the available evidence is currently insufficient to determine the role of this variant in disease. Therefore, it has been classified as a Variant of Uncertain Significance.

Dr. Peter K. Rogan Lab, Western University
No classification provided (evidence only). Condition: Melanoma. Review status: no classification provided. Collection method: in vitro. Allele origin: not applicable. Functional consequence: retained intron. Not counted in ClinVar's aggregate classification.

NM_001127178.3(PIGG):c.2302G>C (p.Gly768Arg)

Gene: PIGG (phosphatidylinositol glycan anchor biosynthesis class G (EMM blood group); plus strand). Cytogenetic location: 4p16.3.
Variant type: single nucleotide variant.
Coding change: c.2302G>C on transcript NM_001127178.3 (MANE Select); coding-DNA position 2302, G replaced by C.
Protein change: p.Gly768Arg; replaces glycine 768 with arginine.
Molecular consequence: missense variant. On other transcripts: non-coding transcript variant (6).
Genome position (GRCh38, 1-based): chr4:530,476, G>C. VCF-style: chr4-530476-G-C. GRCh37 (hg19) VCF-style: chr4-524265-G-C.
Other names: c.1903G>C, p.Gly635Arg (NM_001289052.2); c.2035G>C, p.Gly679Arg (NM_001345986.2, NM_001289051.2); c.2011G>C, p.Gly671Arg (NM_001345987.2); c.1273G>C, p.Gly425Arg (NM_001345988.2); c.769G>C, p.Gly257Arg (NM_001345990.2, NM_001345991.2); c.1204G>C, p.Gly402Arg (NM_001345994.2); c.2278G>C, p.Gly760Arg (NM_017733.5); short protein forms G768R, G257R, G425R, G679R, G402R, G635R, G671R, G760R.
Identifiers: ClinVar variation 576871 (VCV000576871.5), dbSNP rs35206248, ClinGen allele CA2793614.